The following is an entry in ClinVar:

NM_001384474.1(LOXHD1):c.6269G>A (p.Arg2090Gln)

Gene: LOXHD1 (lipoxygenase homology PLAT domains 1; minus strand). Cytogenetic location: 18q21.1.
Variant type: single nucleotide variant.
Coding change: c.6269G>A on transcript NM_001384474.1 (MANE Select); coding-DNA position 6269, G replaced by A.
Protein change: p.Arg2090Gln; replaces arginine 2090 with glutamine.
Molecular consequence: missense variant.
Genome position (GRCh38, 1-based): chr18:46,483,659, C>T on the plus strand (G>A on the coding strand, the complement: LOXHD1 is on the minus strand). VCF-style: chr18-46483659-C-T. GRCh37 (hg19) VCF-style: chr18-44063622-C-T.
Other names: c.2936G>A, p.Arg979Gln (NM_001145472.3); c.986G>A, p.Arg329Gln (NM_001145473.3, NM_001173129.2); c.2648G>A, p.Arg883Gln (NM_001308013.2); c.6083G>A, p.Arg2028Gln (NM_144612.7); short protein forms R883Q, R2028Q, R979Q, R329Q, R2090Q.
Identifiers: ClinVar variation 667126 (VCV000667126.7), dbSNP rs760286647, ClinGen allele CA8952060.

ClinVar aggregate classification (germline): Conflicting classifications of pathogenicity. Review status: criteria provided, conflicting classifications (1 of 4 stars). 2 submissions from 2 submitters: Uncertain significance (1); Likely benign (1). Last evaluated 2025-09-22.

Conditions:
Inborn genetic diseases. Identifiers: MedGen C0950123, MeSH D030342.

Allele frequency attached by ClinVar (database versions not stated): gnomAD 0.00001; gnomAD exomes 0.00006; ExAC 0.00005; TOPMed 0.00002.
gnomAD v4.1: 27 of 1,551,556 alleles (0.0017%); highest among the groups gnomAD compares: Middle Eastern, 0.017%; no homozygotes.

Submissions (2):

Ambry Genetics
Classification: Uncertain significance for Inborn genetic diseases. Last evaluated: 2025-09-22. Review status: criteria provided, single submitter. Criteria: Ambry Variant Classification Scheme 2023. Collection method: clinical testing. Allele origin: germline.

Laboratory for Molecular Medicine, Mass General Brigham Personalized Medicine
Classification: Likely benign. Last evaluated: 2018-08-08. Review status: criteria provided, single submitter. Criteria: LMM Criteria. Collection method: clinical testing. Allele origin: germline. Observed: 1 variant allele.
Comment: The p.Arg2028Gln variant in LOXHD1 is classified as likely benign due to a lack of conservation across species. At least three mammals have Glutamine (Gln) at t his position. It has been identified in 5/58060 European chromosomes by the Geno me Aggregation Database (gnomAD; dbSNP rs76028 6647). ACMG/AMP Criteria applied: BP4_Strong, PM2_Supporting.